The following is an entry in ClinVar:

NM_007363.5(NONO):c.118C>T (p.Pro40Ser)

Gene: NONO (non-POU domain containing octamer binding; plus strand). Cytogenetic location: Xq13.1.
Variant type: single nucleotide variant.
Coding change: c.118C>T on transcript NM_007363.5 (MANE Select); coding-DNA position 118, C replaced by T.
Protein change: p.Pro40Ser; replaces proline 40 with serine.
Molecular consequence: missense variant. On other transcripts: intron variant (1).
Genome position (GRCh38, 1-based): chrX:71,290,755, C>T. VCF-style: chrX-71290755-C-T. GRCh37 (hg19) VCF-style: chrX-70510605-C-T.
Other names: c.118C>T, p.Pro40Ser (NM_001145408.2, NM_001145409.2); c.-113-1024C>T (NM_001145410.2); short protein forms P40S.
Identifiers: ClinVar variation 3348647 (VCV003348647.1).

ClinVar aggregate classification (germline): Uncertain significance (0 of 4 stars; one submission).

Conditions:
NONO-related disorder. Also called: NONO-related condition.

Submission:

PreventionGenetics, part of Exact Sciences
Classification: Uncertain significance for NONO-related condition. Last evaluated: 2024-05-25. Review status: no assertion criteria provided. Collection method: clinical testing. Allele origin: germline.
Comment: The NONO c.118C>T variant is predicted to result in the amino acid substitution p.Pro40Ser. To our knowledge, this variant has not been reported in the literature or in a large population database, indicating this variant is rare. At this time, the clinical significance of this variant is uncertain due to the absence of conclusive functional and genetic evidence.